The following is an entry in ClinVar:

ClinVar aggregate classification (germline): Conflicting classifications of pathogenicity. Review status: criteria provided, conflicting classifications (1 of 4 stars). 8 submissions from 8 submitters: Uncertain significance (1); Benign (1); Likely benign (5). 1 of the submissions does not count toward it. Last evaluated 2026-01-27.

Conditions:
SPRED1-related disorder. Also called: SPRED1-related condition.
Cardiovascular phenotype. Identifiers: MedGen CN230736.
Noonan syndrome and Noonan-related syndrome. Identifiers: Orphanet 98733, MedGen C5681679, MONDO:0020297.
Legius syndrome. Identifiers: Orphanet 137605, MedGen C1969623, MONDO:0012669, OMIM 611431. Disease mechanism: loss of function.

Allele frequency attached by ClinVar (database versions not stated): gnomAD exomes 0.00022; ExAC 0.00028; gnomAD 0.00070 and 0.00074; ESP Exome Variant Server 0.00077; TOPMed 0.00082; 1000 Genomes Project 0.00120; 1000 Genomes Project 30x 0.00125.
gnomAD v4.1: 210 of 1,613,424 alleles (0.013%); highest among the groups gnomAD compares: African/African-American, 0.26%; 1 homozygote.

Submissions (8):

Labcorp Genetics (formerly Invitae), Labcorp
Classification: Likely benign for Legius syndrome. Last evaluated: 2026-01-27. Review status: criteria provided, single submitter. Criteria: Invitae Variant Classification Sherloc (09022015). Collection method: clinical testing. Allele origin: germline.

Ambry Genetics
Classification: Benign for Cardiovascular phenotype. Last evaluated: 2024-11-26. Review status: criteria provided, single submitter. Criteria: Ambry Variant Classification Scheme 2023. Collection method: clinical testing. Allele origin: germline.

Women's Health and Genetics/Laboratory Corporation of America, LabCorp
Classification: Likely benign. Last evaluated: 2022-04-05. Review status: criteria provided, single submitter. Criteria: LabCorp Variant Classification Summary - May 2015. Collection method: clinical testing. Allele origin: germline.

Eurofins Ntd Llc (ga)
Classification: Likely benign. Last evaluated: 2018-04-20. Review status: criteria provided, single submitter. Criteria: EGL ClinVar v180209 classification definitions. Collection method: clinical testing. Allele origin: germline. Observed: 1 variant allele, 1 heterozygote.

Illumina Laboratory Services, Illumina
Classification: Likely benign for Legius syndrome. Last evaluated: 2018-01-13. Review status: criteria provided, single submitter. Criteria: ICSL Variant Classification Criteria 13 December 2019. Collection method: clinical testing. Allele origin: germline.
Comment: This variant was observed in the ICSL laboratory as part of a predisposition screen in an ostensibly healthy population. It had not been previously curated by ICSL or reported in the Human Gene Mutation Database (HGMD: prior to June 1st, 2018), and was therefore a candidate for classification through an automated scoring system. Utilizing variant allele frequency, disease prevalence and penetrance estimates, and inheritance mode, an automated score was calculated to assess if this variant is too frequent to cause the disease. Based on the score and internal cut-off values, a variant classified as likely benign is not then subjected to further curation. The score for this variant resulted in a classification of likely benign for this disease.

Laboratory for Molecular Medicine, Mass General Brigham Personalized Medicine
Classification: Likely benign. Last evaluated: 2017-08-16. Review status: criteria provided, single submitter. Criteria: LMM Criteria. Collection method: clinical testing. Allele origin: germline. Observed: 1 variant allele.
Comment: proposed classification - variant undergoing re-assessment, contact laboratory

Genome Diagnostics Laboratory, The Hospital for Sick Children
Classification: Uncertain significance for Noonan syndrome and Noonan-related syndrome. Last evaluated: 2016-12-12. Review status: criteria provided, single submitter. Criteria: ACMG Guidelines, 2015. Collection method: clinical testing. Allele origin: germline.

PreventionGenetics, part of Exact Sciences
Classification: Likely benign for SPRED1-related condition. Last evaluated: 2022-05-18. Review status: no assertion criteria provided. Collection method: clinical testing. Allele origin: germline. Not counted in ClinVar's aggregate classification.
Comment: This variant is classified as likely benign based on ACMG/AMP sequence variant interpretation guidelines (Richards et al. 2015 PMID: 25741868, with internal and published modifications).

NM_152594.3(SPRED1):c.702C>G (p.Ile234Met)

Gene: SPRED1 (sprouty related EVH1 domain containing 1; plus strand). Cytogenetic location: 15q14.
Variant type: single nucleotide variant.
Coding change: c.702C>G on transcript NM_152594.3 (MANE Select); coding-DNA position 702, C replaced by G.
Protein change: p.Ile234Met; replaces isoleucine 234 with methionine.
Molecular consequence: missense variant.
Genome position (GRCh38, 1-based): chr15:38,351,031, C>G. VCF-style: chr15-38351031-C-G. GRCh37 (hg19) VCF-style: chr15-38643232-C-G.
Other names: short protein forms I234M.
Identifiers: ClinVar variation 165293 (VCV000165293.29), dbSNP rs138553244, ClinGen allele CA178031.